The following is an entry in ClinVar:

NM_001365951.3(KIF1B):c.530A>G (p.Tyr177Cys)

Gene: KIF1B (kinesin family member 1B; plus strand). Cytogenetic location: 1p36.22.
Variant type: single nucleotide variant.
Coding change: c.530A>G on transcript NM_001365951.3 (MANE Select); coding-DNA position 530, A replaced by G.
Protein change: p.Tyr177Cys; replaces tyrosine 177 with cysteine.
Molecular consequence: missense variant.
Genome position (GRCh38, 1-based): chr1:10,267,480, A>G. VCF-style: chr1-10267480-A-G. GRCh37 (hg19) VCF-style: chr1-10327538-A-G.
Other names: c.530A>G, p.Tyr177Cys (NM_001365952.1, NM_001365953.1, NM_015074.3 and 1 more transcripts); short protein forms Y177C.
Identifiers: ClinVar variation 3533979 (VCV003533979.1).

ClinVar aggregate classification (germline): Uncertain significance (1 of 4 stars; one submission).

gnomAD v4.1: 4 of 1,614,188 alleles (0.00025%); highest among the groups gnomAD compares: Non-Finnish European, 0.00034%; no homozygotes.

Submission:

Ambry Genetics
Classification: Uncertain significance. Last evaluated: 2024-08-18. Review status: criteria provided, single submitter. Criteria: Ambry Variant Classification Scheme 2023. Collection method: clinical testing. Allele origin: germline.
Comment: The p.Y177C variant (also known as c.530A>G), located in coding exon 5 of the KIF1B gene, results from an A to G substitution at nucleotide position 530. The tyrosine at codon 177 is replaced by cysteine, an amino acid with highly dissimilar properties. This amino acid position is conserved. In addition, this alteration is predicted to be deleterious by in silico analysis. Based on the available evidence, the clinical significance of this variant remains unclear.